The following is an entry in ClinVar:

ClinVar aggregate classification (germline): Uncertain significance. Review status: criteria provided, multiple submitters, no conflicts (2 of 4 stars). 3 submissions from 3 submitters: Uncertain significance (3). Last evaluated 2024-12-31.

Conditions:
Hereditary cancer-predisposing syndrome. Also called: Tumor predisposition; Hereditary Cancer Syndrome; Hereditary neoplastic syndrome; Neoplastic Syndromes, Hereditary. Identifiers: Orphanet 140162, MedGen C0027672, MeSH D009386, MONDO:0015356.
Familial adenomatous polyposis 1 (FAP1). Also called: FAMILIAL ADENOMATOUS POLYPOSIS 1, ATTENUATED; POLYPOSIS, ADENOMATOUS INTESTINAL. Identifiers: MedGen C2713442, MONDO:0021056, OMIM 175100. Disease mechanism: loss of function.

Submissions (3):

Ambry Genetics
Classification: Uncertain significance for Hereditary cancer-predisposing syndrome. Last evaluated: 2024-12-31. Review status: criteria provided, single submitter. Criteria: Ambry Variant Classification Scheme 2023. Collection method: clinical testing. Allele origin: germline.
Comment: The p.P781S variant (also known as c.2341C>T), located in coding exon 15 of the APC gene, results from a C to T substitution at nucleotide position 2341. The proline at codon 781 is replaced by serine, an amino acid with similar properties. This amino acid position is conserved. In addition, in silico predictors for this gene do not accurately predict pathogenicity. Based on the available evidence, the clinical significance of this variant remains unclear.

Baylor Genetics
Classification: Uncertain significance for Familial adenomatous polyposis 1. Last evaluated: 2023-09-04. Review status: criteria provided, single submitter. Criteria: ACMG Guidelines, 2015. Collection method: clinical testing. Allele origin: unknown.

Labcorp Genetics (formerly Invitae), Labcorp
Classification: Uncertain significance for Familial adenomatous polyposis 1. Last evaluated: 2022-02-19. Review status: criteria provided, single submitter. Criteria: Invitae Variant Classification Sherloc (09022015). Collection method: clinical testing. Allele origin: germline.
Comment: In summary, the available evidence is currently insufficient to determine the role of this variant in disease. Therefore, it has been classified as a Variant of Uncertain Significance. Algorithms developed to predict the effect of missense changes on protein structure and function (SIFT, PolyPhen-2, Align-GVGD) all suggest that this variant is likely to be disruptive. ClinVar contains an entry for this variant (Variation ID: 411436). This variant has not been reported in the literature in individuals affected with APC-related conditions. This variant is not present in population databases (gnomAD no frequency). This sequence change replaces proline, which is neutral and non-polar, with serine, which is neutral and polar, at codon 781 of the APC protein (p.Pro781Ser).

NM_000038.6(APC):c.2341C>T (p.Pro781Ser)

Gene: APC (APC regulator of Wnt signaling pathway; plus strand). Cytogenetic location: 5q22.2.
Variant type: single nucleotide variant.
Coding change: c.2341C>T on transcript NM_000038.6 (MANE Select); coding-DNA position 2341, C replaced by T.
Protein change: p.Pro781Ser; replaces proline 781 with serine.
Molecular consequence: missense variant.
Genome position (GRCh38, 1-based): chr5:112,837,935, C>T. VCF-style: chr5-112837935-C-T. GRCh37 (hg19) VCF-style: chr5-112173632-C-T.
Other names: c.2341C>T, p.Pro781Ser (NM_001127510.3, NM_001354895.2); c.2287C>T, p.Pro763Ser (NM_001127511.3); c.2395C>T, p.Pro799Ser (NM_001354896.2); c.2371C>T, p.Pro791Ser (NM_001354897.2); c.2266C>T, p.Pro756Ser (NM_001354898.2); c.2257C>T, p.Pro753Ser (NM_001354899.2); c.2218C>T, p.Pro740Ser (NM_001354900.2); c.2164C>T, p.Pro722Ser (NM_001354901.2); and 5 more; short protein forms P763S, P781S, P498S, P621S, P799S, P722S, P791S, P740S.
Identifiers: ClinVar variation 411436 (VCV000411436.13), dbSNP rs1060503302, ClinGen allele CA16026472.